The following is an entry in ClinVar:

NM_019066.5(MAGEL2):c.2939G>T (p.Gly980Val)

Gene: MAGEL2 (MAGE family member L2; minus strand). Cytogenetic location: 15q11.2.
Variant type: single nucleotide variant.
Coding change: c.2939G>T on transcript NM_019066.5 (MANE Select); coding-DNA position 2939, G replaced by T.
Protein change: p.Gly980Val; replaces glycine 980 with valine.
Molecular consequence: missense variant.
Genome position (GRCh38, 1-based): chr15:23,644,804, C>A on the plus strand (G>T on the coding strand, the complement: MAGEL2 is on the minus strand). VCF-style: chr15-23644804-C-A. GRCh37 (hg19) VCF-style: chr15-23889951-C-A.
Other names: short protein forms G980V.
Identifiers: ClinVar variation 2776682 (VCV002776682.3), dbSNP rs1206619578, ClinGen allele CA391326851.

ClinVar aggregate classification (germline): Uncertain significance (1 of 4 stars; one submission).

Submission:

Labcorp Genetics (formerly Invitae), Labcorp
Classification: Uncertain significance. Last evaluated: 2022-11-26. Review status: criteria provided, single submitter. Criteria: Invitae Variant Classification Sherloc (09022015). Collection method: clinical testing. Allele origin: germline.
Comment: This sequence change replaces glycine, which is neutral and non-polar, with valine, which is neutral and non-polar, at codon 980 of the MAGEL2 protein (p.Gly980Val). This variant is not present in population databases (gnomAD no frequency). This variant has not been reported in the literature in individuals affected with MAGEL2-related conditions. Advanced modeling of protein sequence and biophysical properties (such as structural, functional, and spatial information, amino acid conservation, physicochemical variation, residue mobility, and thermodynamic stability) performed at Invitae indicates that this missense variant is not expected to disrupt MAGEL2 protein function. In summary, the available evidence is currently insufficient to determine the role of this variant in disease. Therefore, it has been classified as a Variant of Uncertain Significance.